The following is an entry in ClinVar:

ClinVar aggregate classification (germline): Uncertain significance (1 of 4 stars; one submission).

Conditions:
Melanoma, cutaneous malignant, susceptibility to, 5. Also called: Cutaneous malignant melanoma 5. Identifiers: Orphanet 618, MedGen C2751295, MONDO:0013133, OMIM 613099.

Submission:

Labcorp Genetics (formerly Invitae), Labcorp
Classification: Uncertain significance for Melanoma, cutaneous malignant, susceptibility to, 5. Last evaluated: 2023-08-10. Review status: criteria provided, single submitter. Criteria: Invitae Variant Classification Sherloc (09022015). Collection method: clinical testing. Allele origin: germline.
Comment: This variant is not present in population databases (gnomAD no frequency). This sequence change replaces valine, which is neutral and non-polar, with methionine, which is neutral and non-polar, at codon 3 of the MC1R protein (p.Val3Met). This variant has not been reported in the literature in individuals affected with MC1R-related conditions. In summary, the available evidence is currently insufficient to determine the role of this variant in disease. Therefore, it has been classified as a Variant of Uncertain Significance. Advanced modeling of protein sequence and biophysical properties (such as structural, functional, and spatial information, amino acid conservation, physicochemical variation, residue mobility, and thermodynamic stability) performed at Invitae indicates that this missense variant is not expected to disrupt MC1R protein function. ClinVar contains an entry for this variant (Variation ID: 1017545).

NM_002386.4(MC1R):c.7G>A (p.Val3Met)

Gene: MC1R (melanocortin 1 receptor; plus strand). Cytogenetic location: 16q24.3.
Variant type: single nucleotide variant.
Coding change: c.7G>A on transcript NM_002386.4 (MANE Select); coding-DNA position 7, G replaced by A.
Protein change: p.Val3Met; replaces valine 3 with methionine.
Molecular consequence: missense variant.
Genome position (GRCh38, 1-based): chr16:89,919,265, G>A. VCF-style: chr16-89919265-G-A. GRCh37 (hg19) VCF-style: chr16-89985673-G-A.
Other names: short protein forms V3M.
Identifiers: ClinVar variation 1017545 (VCV001017545.8), dbSNP rs2045688399, ClinGen allele CA397458884.
Genomic context (GRCh38, chr16:89,919,265, plus strand): 5'-ACTGTGGGGACCTGGAGGCCTCCAACGACTCCTTCCTGCTTCCTGGACAGGACTATGGCT[G>A]TGCAGGGATCCCAGAGAAGACTTCTGGGCTCCCTCAACTCCACCCCCACAGCCATCCCCC-3'
Protein context (NP_002377.4, residues 1-13): MA[Val3Met]QGSQRRLLGS